The following is an entry in ClinVar:

NM_012193.4(FZD4):c.758G>A (p.Arg253His)

Genes: FZD4 (frizzled class receptor 4; minus strand), PRSS23 (serine protease 23; plus strand). Cytogenetic location: 11q14.2.
Variant type: single nucleotide variant.
Coding change: c.758G>A on transcript NM_012193.4 (MANE Select); coding-DNA position 758, G replaced by A.
Protein change: p.Arg253His; replaces arginine 253 with histidine.
Molecular consequence: missense variant. On other transcripts: non-coding transcript variant (2).
Genome position (GRCh38, 1-based): chr11:86,951,998, C>T on the plus strand (G>A on the coding strand, the complement: FZD4 is on the minus strand). VCF-style: chr11-86951998-C-T. GRCh37 (hg19) VCF-style: chr11-86663040-C-T.
Other names: short protein forms R253H.
Identifiers: ClinVar variation 1057788 (VCV001057788.10), dbSNP rs761845677, ClinGen allele CA6218418.

ClinVar aggregate classification (germline): Uncertain significance. Review status: criteria provided, multiple submitters, no conflicts (2 of 4 stars). 2 submissions from 2 submitters: Uncertain significance (2). Last evaluated 2025-11-19.

Allele frequency attached by ClinVar (database versions not stated): ExAC 0.00002; gnomAD exomes 0.00003 and 0.00004; gnomAD 0.00005 and 0.00006.
gnomAD v4.1: 62 of 1,613,820 alleles (0.0038%); highest among the groups gnomAD compares: African/African-American, 0.0027%; no homozygotes.

Submissions (2):

Labcorp Genetics (formerly Invitae), Labcorp
Classification: Uncertain significance. Last evaluated: 2025-11-19. Review status: criteria provided, single submitter. Criteria: Invitae Variant Classification Sherloc (09022015). Collection method: clinical testing. Allele origin: germline.
Comment: This sequence change replaces arginine, which is basic and polar, with histidine, which is basic and polar, at codon 253 of the FZD4 protein (p.Arg253His). This variant is present in population databases (rs761845677, gnomAD 0.05%). This variant has not been reported in the literature in individuals affected with FZD4-related conditions. ClinVar contains an entry for this variant (Variation ID: 1057788). Invitae Evidence Modeling of protein sequence and biophysical properties (such as structural, functional, and spatial information, amino acid conservation, physicochemical variation, residue mobility, and thermodynamic stability) has been performed for this missense variant. However, the output from this modeling did not meet the statistical confidence thresholds required to predict the impact of this variant on FZD4 protein function. This variant disrupts the p.Arg253 amino acid residue in FZD4. Other variant(s) that disrupt this residue have been determined to be pathogenic (PMID: 20938005, 30452590, 31987760). This suggests that this residue is clinically significant, and that variants that disrupt this residue are likely to be disease-causing. In summary, the available evidence is currently insufficient to determine the role of this variant in disease. Therefore, it has been classified as a Variant of Uncertain Significance.

Blueprint Genetics
Classification: Uncertain significance. Last evaluated: 2024-08-19. Review status: criteria provided, single submitter. Criteria: ACMG Guidelines, 2015. Collection method: clinical testing. Allele origin: germline.

Literature cited by the submitters: PubMed 20938005 (cited by Labcorp Genetics (formerly Invitae), Labcorp); PubMed 30452590 (cited by Labcorp Genetics (formerly Invitae), Labcorp); PubMed 31987760 (cited by Labcorp Genetics (formerly Invitae), Labcorp).